The following is an entry in ClinVar:

NM_001387274.1(DCDC1):c.5233+7A>G

Gene: DCDC1 (doublecortin domain containing 1; minus strand). Cytogenetic location: 11p14.1.
Variant type: single nucleotide variant.
Coding change: c.5233+7A>G on transcript NM_001387274.1 (MANE Select); 7 bases into the intron after coding-DNA position 5233, A replaced by G.
Molecular consequence: intron variant.
Genome position (GRCh38, 1-based): chr11:30,881,151, T>C on the plus strand (A>G on the coding strand, the complement: DCDC1 is on the minus strand). VCF-style: chr11-30881151-T-C. GRCh37 (hg19) VCF-style: chr11-30902698-T-C.
Other names: c.5224+7A>G (NM_001367979.1); c.2545+7A>G (NM_020869.4); c.1978+7A>G (NM_001387275.1).
Identifiers: ClinVar variation 3358141 (VCV003358141.1).

ClinVar aggregate classification (germline): Likely benign (0 of 4 stars; one submission).

Conditions:
DCDC5-related condition.

gnomAD v4.1: 236 of 1,612,784 alleles (0.015%); highest among the groups gnomAD compares: Non-Finnish European, 0.018%; no homozygotes.

Submission:

PreventionGenetics, part of Exact Sciences
Classification: Likely benign for DCDC5-related condition. Last evaluated: 2019-07-31. Review status: no assertion criteria provided. Collection method: clinical testing. Allele origin: germline.
Comment: This variant is classified as likely benign based on ACMG/AMP sequence variant interpretation guidelines (Richards et al. 2015 PMID: 25741868, with internal and published modifications).